The following is an entry in ClinVar:

ClinVar aggregate classification (germline): Benign/Likely benign. Review status: criteria provided, multiple submitters, no conflicts (2 of 4 stars). 5 submissions from 5 submitters: Benign (1); Likely benign (4). Last evaluated 2026-01-28.

Conditions:
Tuberous sclerosis 2 (TSC2). Identifiers: Orphanet 805, MedGen C1860707, MONDO:0013199, OMIM 613254.

Allele frequency attached by ClinVar (database versions not stated): TOPMed 0.00001; gnomAD 0.00003; ESP Exome Variant Server 0.00008.

Submissions (5):

Labcorp Genetics (formerly Invitae), Labcorp
Classification: Likely benign for Tuberous sclerosis 2. Last evaluated: 2026-01-28. Review status: criteria provided, single submitter. Criteria: Invitae Variant Classification Sherloc (09022015). Collection method: clinical testing. Allele origin: germline.

Myriad Genetics, Inc.
Classification: Likely benign for Tuberous sclerosis 2. Last evaluated: 2025-05-20. Review status: criteria provided, single submitter. Criteria: Myriad Autosomal Dominant, Autosomal Recessive and X-Linked Classification Criteria (2023). Collection method: clinical testing. Allele origin: unknown.
Comment: This variant is considered likely benign. This variant is intronic and is not expected to impact mRNA splicing.

Genome-Nilou Lab
Classification: Benign for Tuberous sclerosis 2. Last evaluated: 2021-11-07. Review status: criteria provided, single submitter. Criteria: ACMG Guidelines, 2015. Collection method: clinical testing. Allele origin: germline. Affected: no.

GeneDx
Classification: Likely benign. Last evaluated: 2017-02-14. Review status: criteria provided, single submitter. Criteria: GeneDx Variant Classification (06012015). Collection method: clinical testing. Allele origin: germline. Affected: yes.
Comment: This variant is considered likely benign or benign based on one or more of the following criteria: it is a conservative change, it occurs at a poorly conserved position in the protein, it is predicted to be benign by multiple in silico algorithms, and/or has population frequency not consistent with disease.

PreventionGenetics, part of Exact Sciences
Classification: Likely benign. Review status: criteria provided, single submitter. Criteria: ACMG Guidelines, 2015. Collection method: clinical testing. Allele origin: germline.

NM_000548.5(TSC2):c.2545+9C>G

Gene: TSC2 (TSC complex subunit 2; plus strand). Cytogenetic location: 16p13.3.
Variant type: single nucleotide variant.
Coding change: c.2545+9C>G on transcript NM_000548.5 (MANE Select); 9 bases into the intron after coding-DNA position 2545, C replaced by G.
Molecular consequence: intron variant.
Genome position (GRCh38, 1-based): chr16:2,074,398, C>G. VCF-style: chr16-2074398-C-G. GRCh37 (hg19) VCF-style: chr16-2124399-C-G.
Other names: c.2545+9C>G (NM_001114382.3, NM_021055.3, NM_001370405.1 and 3 more transcripts); c.2434+9C>G (NM_001318827.2); c.1945+9C>G (NM_001318831.2); c.2398+9C>G (NM_001318829.2); c.2578+9C>G (NM_001318832.2).
Identifiers: ClinVar variation 256625 (VCV000256625.15), dbSNP rs369385105, ClinGen allele CA039643.
Genomic context (GRCh38, chr16:2,074,398, plus strand): 5'-CACATCTCAGCCACAGCCAGCATGGCCGTCCCACTGCTGGAGTTCCTGTCCAGTGAGTCC[C>G]CGCCCTGCCTGCGCATGCACCCGAGAGGTTCGGGCTGTGTAACCTGTGCGGGCTTCTCTG-3'